The following is an entry in ClinVar:

NM_005529.7(HSPG2):c.6152C>T (p.Pro2051Leu)

Gene: HSPG2 (heparan sulfate proteoglycan 2; minus strand). Cytogenetic location: 1p36.12.
Variant type: single nucleotide variant.
Coding change: c.6152C>T on transcript NM_005529.7 (MANE Select); coding-DNA position 6152, C replaced by T.
Protein change: p.Pro2051Leu; replaces proline 2051 with leucine.
Molecular consequence: missense variant.
Genome position (GRCh38, 1-based): chr1:21,854,747, G>A on the plus strand (C>T on the coding strand, the complement: HSPG2 is on the minus strand). VCF-style: chr1-21854747-G-A. GRCh37 (hg19) VCF-style: chr1-22181240-G-A.
Other names: c.6152C>T (NM_005529.5); c.6155C>T, p.Pro2052Leu (NM_001291860.2); short protein forms P2051L, P2052L.
Identifiers: ClinVar variation 2187239 (VCV002187239.6), dbSNP rs201057646, ClinGen allele CA671643.

ClinVar aggregate classification (germline): Uncertain significance. Review status: criteria provided, multiple submitters, no conflicts (2 of 4 stars). 3 submissions from 3 submitters: Uncertain significance (3). Last evaluated 2025-06-23.

Conditions:
Inborn genetic diseases. Identifiers: MedGen C0950123, MeSH D030342.

Allele frequency attached by ClinVar (database versions not stated): gnomAD exomes 0.00002; gnomAD 0.00003; ExAC 0.00004; TOPMed 0.00004; 1000 Genomes Project 30x 0.00016; 1000 Genomes Project 0.00020.
gnomAD v4.1: 44 of 1,613,690 alleles (0.0027%); highest among the groups gnomAD compares: Admixed American, 0.025%; no homozygotes.

Submissions (3):

Labcorp Genetics (formerly Invitae), Labcorp
Classification: Uncertain significance. Last evaluated: 2025-06-23. Review status: criteria provided, single submitter. Criteria: Invitae Variant Classification Sherloc (09022015). Collection method: clinical testing. Allele origin: germline.
Comment: This sequence change replaces proline, which is neutral and non-polar, with leucine, which is neutral and non-polar, at codon 2051 of the HSPG2 protein (p.Pro2051Leu). This variant is present in population databases (rs201057646, gnomAD 0.02%). This variant has not been reported in the literature in individuals affected with HSPG2-related conditions. ClinVar contains an entry for this variant (Variation ID: 2187239). An algorithm developed to predict the effect of missense changes on protein structure and function outputs the following: PolyPhen-2: "Benign". The leucine amino acid residue is found in multiple mammalian species, which suggests that this missense change does not adversely affect protein function. In summary, the available evidence is currently insufficient to determine the role of this variant in disease. Therefore, it has been classified as a Variant of Uncertain Significance.

Ambry Genetics
Classification: Uncertain significance for Inborn genetic diseases. Last evaluated: 2021-06-30. Review status: criteria provided, single submitter. Criteria: Ambry Variant Classification Scheme 2023. Collection method: clinical testing. Allele origin: germline.

Revvity Omics, Revvity
Classification: Uncertain significance. Last evaluated: 2020-03-17. Review status: criteria provided, single submitter. Criteria: ACMG Guidelines, 2015. Collection method: clinical testing. Allele origin: germline.